The following is an entry in ClinVar:

ClinVar aggregate classification (germline): Uncertain significance (1 of 4 stars; one submission).

Conditions:
Inborn genetic diseases. Identifiers: MedGen C0950123, MeSH D030342.

Submission:

Ambry Genetics
Classification: Uncertain significance for Inborn genetic diseases. Last evaluated: 2024-09-12. Review status: criteria provided, single submitter. Criteria: Ambry Variant Classification Scheme 2023. Collection method: clinical testing. Allele origin: germline.
Comment: The p.H856Q variant (also known as c.2568T>G), located in coding exon 20 of the BUB1B gene, results from a T to G substitution at nucleotide position 2568. The histidine at codon 856 is replaced by glutamine, an amino acid with highly similar properties. This amino acid position is conserved. In addition, this alteration is predicted to be tolerated by in silico analysis. Based on the available evidence, the clinical significance of this variant remains unclear.

NM_001211.6(BUB1B):c.2568T>G (p.His856Gln)

Gene: BUB1B (BUB1 mitotic checkpoint serine/threonine kinase B; plus strand). Cytogenetic location: 15q15.1.
Variant type: single nucleotide variant.
Coding change: c.2568T>G on transcript NM_001211.6 (MANE Select); coding-DNA position 2568, T replaced by G.
Protein change: p.His856Gln; replaces histidine 856 with glutamine.
Molecular consequence: missense variant.
Genome position (GRCh38, 1-based): chr15:40,213,364, T>G. VCF-style: chr15-40213364-T-G. GRCh37 (hg19) VCF-style: chr15-40505565-T-G.
Other names: short protein forms H856Q.
Identifiers: ClinVar variation 3483189 (VCV003483189.1).